The following is an entry in ClinVar:

ClinVar aggregate classification (germline): Conflicting classifications of pathogenicity. Review status: criteria provided, conflicting classifications (1 of 4 stars). 9 submissions from 9 submitters: Uncertain significance (6); Likely benign (1). 2 of the submissions do not count toward it. Last evaluated 2026-07-24.

Conditions:
Hereditary cancer-predisposing syndrome. Also called: Tumor predisposition; Neoplastic Syndromes, Hereditary; Hereditary Cancer Syndrome; Hereditary neoplastic syndrome. Identifiers: Orphanet 140162, MedGen C0027672, MeSH D009386, MONDO:0015356.
Hereditary breast ovarian cancer syndrome. Also called: Hereditary breast and ovarian cancer syndrome (HBOC); Hereditary breast and ovarian cancer syndrome; Hereditary breast and ovarian cancer; Hereditary breast and/or ovarian cancer syndrome; Breast and ovarian cancer; BRCA1- and BRCA2-Associated Hereditary Breast and Ovarian Cancer. Identifiers: Orphanet 145, MedGen C0677776, MeSH D061325, MONDO:0003582. Disease mechanism: loss of function.
Breast-ovarian cancer, familial, susceptibility to, 1 (BROVCA1). Also called: OVARIAN CANCER, SUSCEPTIBILITY TO; BRCA1 Hereditary Breast and Ovarian Cancer. Identifiers: Orphanet 145, MedGen C2676676, MONDO:0011450, OMIM 604370. Disease mechanism: loss of function.

Allele frequency attached by ClinVar (database versions not stated): gnomAD exomes below 0.00001 and 0.00001; ExAC 0.00001; gnomAD 0.00001; TOPMed 0.00001.
gnomAD v4.1: 5 of 1,614,086 alleles (0.00031%); highest among the groups gnomAD compares: African/African-American, 0.0013%; no homozygotes.

Submissions (9):

Institut für angewandte Humangenetik und Onkogenetik Professor Froster
Classification: Uncertain significance for Breast-ovarian cancer, familial, susceptibility to, 1. Last evaluated: 2026-07-24. Review status: criteria provided, single submitter. Criteria: ACMG Guidelines, 2015. Collection method: clinical testing. Allele origin: germline. Affected: yes. Observed: 1 variant allele.
Comment: This missense variant results in a substitution of isoleucine with threonine at codon 456 of the BRCA1 protein. Computational prediction is inconclusive (REVEL: 0.61, PolyPhen-2: 0.919, BayesDel_noAF: 0.12). The variant is present at a frequency of 8.8e-6 in the population database (gnomAD v2.1.1). In the literatur this variant has been reported as VUS in a individual with breast cancer (PMID: 30287823). No functional studies evaluating the impact of this variant have been reported. Segregation analysis could not be performed. The currently available evidence does not suffice to conclusively determine the role of this variant in disease, therefore, it is classified as a Variant of Uncertain Significance (PM2_SUP)

Labcorp Genetics (formerly Invitae), Labcorp
Classification: Uncertain significance for Hereditary breast ovarian cancer syndrome. Last evaluated: 2025-12-26. Review status: criteria provided, single submitter. Criteria: Invitae Variant Classification Sherloc (09022015). Collection method: clinical testing. Allele origin: germline.
Comment: This sequence change replaces isoleucine, which is neutral and non-polar, with threonine, which is neutral and polar, at codon 456 of the BRCA1 protein (p.Ile456Thr). This variant is present in population databases (rs80357360, gnomAD 0.007%). This missense change has been observed in individual(s) with breast and/or ovarian cancer (PMID: 31907386). ClinVar contains an entry for this variant (Variation ID: 54222). Invitae Evidence Modeling of protein sequence and biophysical properties (such as structural, functional, and spatial information, amino acid conservation, physicochemical variation, residue mobility, and thermodynamic stability) indicates that this missense variant is not expected to disrupt BRCA1 protein function with a negative predictive value of 80%. In summary, the available evidence is currently insufficient to determine the role of this variant in disease. Therefore, it has been classified as a Variant of Uncertain Significance.

Ambry Genetics
Classification: Uncertain significance for Hereditary cancer-predisposing syndrome. Last evaluated: 2024-02-26. Review status: criteria provided, single submitter. Criteria: Ambry Variant Classification Scheme 2023. Collection method: clinical testing. Allele origin: germline.
Comment: The p.I456T variant (also known as c.1367T>C), located in coding exon 9 of the BRCA1 gene, results from a T to C substitution at nucleotide position 1367. The isoleucine at codon 456 is replaced by threonine, an amino acid with similar properties. This amino acid position is not well conserved in available vertebrate species. In addition, the in silico prediction for this alteration is inconclusive. Since supporting evidence is limited at this time, the clinical significance of this alteration remains unclear.

University of Washington Department of Laboratory Medicine, University of Washington
Classification: Likely benign for Hereditary cancer-predisposing syndrome. Last evaluated: 2023-03-23. Review status: criteria provided, single submitter. Criteria: Dines et al. (Genet Med. 2020). Collection method: curation. Allele origin: germline.
Comment: Missense variant in a coldspot region where missense variants are very unlikely to be pathogenic (PMID:31911673).

BRCA1 coldspot (exon 11 using historical exon numbering). Reclassification based on statistical prior probability

Women's Health and Genetics/Laboratory Corporation of America, LabCorp
Classification: Uncertain significance. Last evaluated: 2022-07-24. Review status: criteria provided, single submitter. Criteria: LabCorp Variant Classification Summary - May 2015. Collection method: clinical testing. Allele origin: germline.
Comment: Variant summary: BRCA1 c.1367T>C (p.Ile456Thr) results in a non-conservative amino acid change located in the BRCA1, serine-rich domain (IPR025994) of the encoded protein sequence. Four of five in-silico tools predict a damaging effect of the variant on protein function. The variant allele was found at a frequency of 8e-06 in 251050 control chromosomes. The available data on variant occurrences in the general population are insufficient to allow any conclusion about variant significance. c.1367T>C has been reported in the literature as a VUS in individuals affected with Breast cancer (example, Judkins_2005, Momozawa_2018). These report(s) do not provide unequivocal conclusions about association of the variant with Hereditary Breast And Ovarian Cancer Syndrome. To our knowledge, no experimental evidence demonstrating an impact on protein function has been reported. Five clinical diagnostic laboratories have submitted clinical-significance assessments for this variant to ClinVar after 2014 without evidence for independent evaluation. All laboratories classified the variant as uncertain significance. Based on the evidence outlined above, the variant was classified as uncertain significance.

Color Diagnostics, LLC DBA Color Health
Classification: Uncertain significance for Hereditary cancer-predisposing syndrome. Last evaluated: 2022-06-21. Review status: criteria provided, single submitter. Criteria: ACMG Guidelines, 2015. Collection method: clinical testing. Allele origin: germline.
Comment: This missense variant replaces isoleucine with threonine at codon 456 of the BRCA1 protein. Computational prediction is inconclusive regarding the impact of this variant on protein structure and function (internally defined REVEL score threshold 0.5 < inconclusive < 0.7, PMID: 27666373). To our knowledge, functional studies have not been reported for this variant. This variant has been detected in a breast cancer case-control meta-analysis in 1/60466 cases and 2/53461 unaffected individuals (PMID: 33471991; Leiden Open Variation Database DB-ID BRCA1_000144). This variant also has been reported in two Japanese breast cancer and pancreatic cancer case-control studies in two unaffected individuals in each study and absent in cancer cases (PMID: 30287823, 32980694). This variant has been identified in 2/251050 chromosomes in the general population by the Genome Aggregation Database (gnomAD). The available evidence is insufficient to determine the role of this variant in disease conclusively. Therefore, this variant is classified as a Variant of Uncertain Significance.

GeneDx
Classification: Uncertain significance. Last evaluated: 2018-10-24. Review status: criteria provided, single submitter. Criteria: GeneDx Variant Classification (06012015). Collection method: clinical testing. Allele origin: germline. Affected: yes.
Comment: This variant is denoted BRCA1 c.1367T>C at the cDNA level, p.Ile456Thr (I456T) at the protein level, and results in the change of an Isoleucine to a Threonine (ATT>ACT). Using alternate nomenclature, this variant would be defined as BRCA1 1486T>C. This variant has been reported in at least one individual referred for BRCA1 testing (Judkins 2005). BRCA1 Ile456Thr was not observed at a significant allele frequency in large population cohorts (Lek 2016). This variant is located in the DNA binding domain and a region known to interact with multiple other proteins (Narod 2004, Paul 2014). In silico analysis, which includes protein predictors and evolutionary conservation, supports a deleterious effect. Based on currently available evidence, it is unclear whether BRCA1 Ile456Thr is a pathogenic or benign variant. We consider it to be a variant of uncertain significance.

Counsyl
Classification: Uncertain significance for Breast-ovarian cancer, familial, susceptibility to, 1. Last evaluated: 2018-04-18. Review status: no assertion criteria provided. Collection method: clinical testing. Allele origin: unknown. Not counted in ClinVar's aggregate classification.

Breast Cancer Information Core (BIC) (BRCA1)
Classification: Uncertain significance for Breast-ovarian cancer, familial 1. Last evaluated: 2002-05-29. Review status: no assertion criteria provided. Collection method: clinical testing. Allele origin: germline. Affected: yes. Observed: 3 variant alleles. Not counted in ClinVar's aggregate classification.

Literature cited by the submitters: PubMed 30287823 (cited by 3 submitters); PubMed 31907386 (cited by Labcorp Genetics (formerly Invitae), Labcorp); PubMed 16267036 (cited by Women's Health and Genetics/Laboratory Corporation of America, LabCorp and Counsyl); PubMed 23704879 (cited by Women's Health and Genetics/Laboratory Corporation of America, LabCorp); PubMed 32980694 (cited by Color Diagnostics, LLC DBA Color Health); PubMed 33471991 (cited by Color Diagnostics, LLC DBA Color Health).

NM_007294.4(BRCA1):c.1367T>C (p.Ile456Thr)

Gene: BRCA1 (BRCA1 DNA repair associated; minus strand). Cytogenetic location: 17q21.31.
Variant type: single nucleotide variant.
Coding change: c.1367T>C on transcript NM_007294.4 (MANE Select); coding-DNA position 1367, T replaced by C.
Protein change: p.Ile456Thr; replaces isoleucine 456 with threonine.
Molecular consequence: missense variant. On other transcripts: intron variant (137).
Genome position (GRCh38, 1-based): chr17:43,094,164, A>G on the plus strand (T>C on the coding strand, the complement: BRCA1 is on the minus strand). VCF-style: chr17-43094164-A-G. GRCh37 (hg19) VCF-style: chr17-41246181-A-G.
Other names: c.1154T>C, p.Ile385Thr (NM_001407898.1, NM_001407899.1, NM_001407915.1 and 9 more transcripts); c.1157T>C, p.Ile386Thr (NM_001407900.1, NM_001407902.1, NM_001407904.1 and 13 more transcripts); c.1244T>C, p.Ile415Thr (NM_001407919.1, NM_001407937.1, NM_001407938.1 and 19 more transcripts); c.1103T>C, p.Ile368Thr (NM_001407920.1, NM_001407921.1, NM_001407922.1 and 9 more transcripts); c.1100T>C, p.Ile367Thr (NM_001407930.1, NM_001407931.1, NM_001407932.1 and 2 more transcripts); c.1241T>C, p.Ile414Thr (NM_001407940.1, NM_001407941.1, NM_001407649.1 and 11 more transcripts); c.1226T>C, p.Ile409Thr (NM_001407942.1, NM_001407944.1, NM_001407945.1 and 29 more transcripts); c.1223T>C, p.Ile408Thr (NM_001407943.1, NM_001407964.1, NM_001407740.1 and 20 more transcripts); and 40 more; short protein forms I456T, I409T, I344T, I368T, I408T, I414T, I429T, I430T.
Identifiers: ClinVar variation 54222 (VCV000054222.27), dbSNP rs80357360, ClinGen allele CA000911.